The following is an entry in ClinVar:

NM_015047.3(EMC1):c.2081T>C (p.Leu694Pro)

Genes: EMC1 (ER membrane protein complex subunit 1; minus strand), EMC1-AS1 (EMC1 antisense RNA 1; plus strand). Cytogenetic location: 1p36.13.
Variant type: single nucleotide variant.
Coding change: c.2081T>C on transcript NM_015047.3 (MANE Select); coding-DNA position 2081, T replaced by C.
Protein change: p.Leu694Pro; replaces leucine 694 with proline.
Molecular consequence: missense variant.
Genome position (GRCh38, 1-based): chr1:19,227,434, A>G on the plus strand (T>C on the coding strand, the complement: EMC1 is on the minus strand). VCF-style: chr1-19227434-A-G. GRCh37 (hg19) VCF-style: chr1-19553928-A-G.
Other names: c.2078T>C, p.Leu693Pro (NM_001271427.2, NM_001271428.2); c.2015T>C, p.Leu672Pro (NM_001271429.2); c.2090T>C, p.Leu697Pro (NM_001375820.1); c.2087T>C, p.Leu696Pro (NM_001375821.1); short protein forms L672P, L696P, L694P, L693P, L697P.
Identifiers: ClinVar variation 1958654 (VCV001958654.5), dbSNP rs2536697574, ClinGen allele CA338757212.

ClinVar aggregate classification (germline): Uncertain significance (1 of 4 stars; one submission).

Allele frequency attached by ClinVar (database versions not stated): gnomAD exomes below 0.00001.
gnomAD v4.1: 1 of 1,614,196 alleles (0.000062%); highest among the groups gnomAD compares: Non-Finnish European, 0.000085%; no homozygotes.

Submission:

Labcorp Genetics (formerly Invitae), Labcorp
Classification: Uncertain significance. Last evaluated: 2022-04-20. Review status: criteria provided, single submitter. Criteria: Invitae Variant Classification Sherloc (09022015). Collection method: clinical testing. Allele origin: germline.
Comment: Algorithms developed to predict the effect of missense changes on protein structure and function (SIFT, PolyPhen-2, Align-GVGD) all suggest that this variant is likely to be tolerated. In summary, the available evidence is currently insufficient to determine the role of this variant in disease. Therefore, it has been classified as a Variant of Uncertain Significance. This variant has not been reported in the literature in individuals affected with EMC1-related conditions. This variant is not present in population databases (gnomAD no frequency). This sequence change replaces leucine, which is neutral and non-polar, with proline, which is neutral and non-polar, at codon 694 of the EMC1 protein (p.Leu694Pro).